The following is an entry in ClinVar:

NM_003640.5(ELP1):c.2404A>G (p.Thr802Ala)

Gene: ELP1 (elongator acetyltransferase complex subunit 1; minus strand). Cytogenetic location: 9q31.3.
Variant type: single nucleotide variant.
Coding change: c.2404A>G on transcript NM_003640.5 (MANE Select); coding-DNA position 2404, A replaced by G.
Protein change: p.Thr802Ala; replaces threonine 802 with alanine.
Molecular consequence: missense variant.
Genome position (GRCh38, 1-based): chr9:108,897,245, T>C on the plus strand (A>G on the coding strand, the complement: ELP1 is on the minus strand). VCF-style: chr9-108897245-T-C. GRCh37 (hg19) VCF-style: chr9-111659525-T-C.
Other names: c.2062A>G, p.Thr688Ala (NM_001318360.2); c.1357A>G, p.Thr453Ala (NM_001330749.2); short protein forms T688A, T802A, T453A.
Identifiers: ClinVar variation 1971694 (VCV001971694.4), dbSNP rs751976438, ClinGen allele CA5174651.
Genomic context (GRCh38, chr9:108,897,245, plus strand): 5'-CATCGCAGACAAGGTCTATTTTATTCCCGTCAGGATCCCTGGACAGGTAGACACTGCTGG[T>C]AACTGGTGCAGGGTACATGGTCTTCGTGACATCTTCTTCTCTAAGAACAGGTGTGTATGG-3'
Protein context (NP_003631.2, residues 792-812): VTKTMYPAPV[Thr802Ala]SSVYLSRDPD

ClinVar aggregate classification (germline): Uncertain significance. Review status: criteria provided, multiple submitters, no conflicts (2 of 4 stars). 3 submissions from 3 submitters: Uncertain significance (3). Last evaluated 2024-06-12.

Conditions:
Familial dysautonomia. Also called: FD; HSAN III. Identifiers: Orphanet 1764, MedGen C0013364, MONDO:0009131, OMIM 223900. Disease mechanism: loss of function.
Medulloblastoma (MDB). Also called: MEDULLOBLASTOMA PREDISPOSITION SYNDROME; Medulloblastoma, somatic. Identifiers: Orphanet 616, MedGen C0025149, MeSH D008527, MONDO:0007959, OMIM 155255, HP:0002885.

Allele frequency attached by ClinVar (database versions not stated): TOPMed 0.00002; gnomAD exomes 0.00004; ExAC 0.00008.
gnomAD v4.1: 23 of 1,614,150 alleles (0.0014%); highest among the groups gnomAD compares: Admixed American, 0.037%; no homozygotes.

Submissions (3):

Fulgent Genetics
Classification: Uncertain significance for Medulloblastoma; Familial dysautonomia. Last evaluated: 2024-06-12. Review status: criteria provided, single submitter. Criteria: ACMG Guidelines, 2015. Collection method: clinical testing. Allele origin: germline.

Ambry Genetics
Classification: Uncertain significance. Last evaluated: 2023-10-23. Review status: criteria provided, single submitter. Criteria: Ambry Variant Classification Scheme 2023. Collection method: clinical testing. Allele origin: germline.
Comment: The p.T802A variant (also known as c.2404A>G), located in coding exon 22 of the IKBKAP gene, results from an A to G substitution at nucleotide position 2404. The threonine at codon 802 is replaced by alanine, an amino acid with similar properties. This amino acid position is conserved. In addition, this alteration is predicted to be tolerated by in silico analysis. Since supporting evidence is limited at this time, the clinical significance of this alteration remains unclear.

Labcorp Genetics (formerly Invitae), Labcorp
Classification: Uncertain significance. Last evaluated: 2022-10-17. Review status: criteria provided, single submitter. Criteria: Invitae Variant Classification Sherloc (09022015). Collection method: clinical testing. Allele origin: germline.
Comment: This sequence change replaces threonine, which is neutral and polar, with alanine, which is neutral and non-polar, at codon 802 of the ELP1 protein (p.Thr802Ala). This variant is present in population databases (rs751976438, gnomAD 0.06%). This variant has not been reported in the literature in individuals affected with ELP1-related conditions. Advanced modeling of protein sequence and biophysical properties (such as structural, functional, and spatial information, amino acid conservation, physicochemical variation, residue mobility, and thermodynamic stability) performed at Invitae indicates that this missense variant is not expected to disrupt ELP1 protein function. In summary, the available evidence is currently insufficient to determine the role of this variant in disease. Therefore, it has been classified as a Variant of Uncertain Significance.